The following is an entry in ClinVar:

NM_000218.3(KCNQ1):c.1388G>C (p.Ser463Thr)

Gene: KCNQ1 (potassium voltage-gated channel subfamily Q member 1; plus strand). Cytogenetic location: 11p15.5.
Variant type: single nucleotide variant.
Coding change: c.1388G>C on transcript NM_000218.3 (MANE Select); coding-DNA position 1388, G replaced by C.
Protein change: p.Ser463Thr; replaces serine 463 with threonine.
Molecular consequence: missense variant.
Genome position (GRCh38, 1-based): chr11:2,588,849, G>C. VCF-style: chr11-2588849-G-C. GRCh37 (hg19) VCF-style: chr11-2610079-G-C.
Other names: c.1292G>C, p.Ser431Thr (NM_001406836.1); c.1118G>C, p.Ser373Thr (NM_001406837.1); c.848G>C, p.Ser283Thr (NM_001406838.1); c.1007G>C, p.Ser336Thr (NM_181798.2); short protein forms S336T, S463T, S373T, S283T, S431T.
Identifiers: ClinVar variation 526963 (VCV000526963.21), dbSNP rs184636161, ClinGen allele CA029097.

ClinVar aggregate classification (germline): Conflicting classifications of pathogenicity. Review status: criteria provided, conflicting classifications (1 of 4 stars). 5 submissions from 5 submitters: Uncertain significance (3); Likely benign (2). Last evaluated 2025-11-23.

Conditions:
Cardiovascular phenotype. Identifiers: MedGen CN230736.
Cardiac arrhythmia. Also called: Cardiac rhythm disease; Arrhythmia. Identifiers: MedGen C0003811, MONDO:0007263, HP:0011675.
Long QT syndrome (LQTS). Identifiers: MedGen C0023976, MeSH D008133, MONDO:0002442. Disease mechanism: loss of function. Inheritance: Various modes of inheritance.

Allele frequency attached by ClinVar (database versions not stated): gnomAD exomes 0.00002 and 0.00004; ExAC 0.00008; ESP Exome Variant Server 0.00008; TOPMed 0.00009; gnomAD 0.00011 and 0.00012; 1000 Genomes Project 30x 0.00062; 1000 Genomes Project 0.00080.
gnomAD v4.1: 47 of 1,611,918 alleles (0.0029%); highest among the groups gnomAD compares: African/African-American, 0.055%; no homozygotes.

Submissions (5):

Labcorp Genetics (formerly Invitae), Labcorp
Classification: Uncertain significance for Long QT syndrome. Last evaluated: 2025-11-23. Review status: criteria provided, single submitter. Criteria: Invitae Variant Classification Sherloc (09022015). Collection method: clinical testing. Allele origin: germline.
Comment: This sequence change replaces serine, which is neutral and polar, with threonine, which is neutral and polar, at codon 463 of the KCNQ1 protein (p.Ser463Thr). This variant is present in population databases (rs184636161, gnomAD 0.05%). This missense change has been observed in individual(s) with sudden unexplained death (PMID: 25639344). ClinVar contains an entry for this variant (Variation ID: 526963). An algorithm developed to predict the effect of missense changes on protein structure and function outputs the following: PolyPhen-2: "Benign". The threonine amino acid residue is found in multiple mammalian species, which suggests that this missense change does not adversely affect protein function. In summary, the available evidence is currently insufficient to determine the role of this variant in disease. Therefore, it has been classified as a Variant of Uncertain Significance.

Color Diagnostics, LLC DBA Color Health
Classification: Likely benign for Cardiac arrhythmia. Last evaluated: 2025-06-03. Review status: criteria provided, single submitter. Criteria: ACMG Guidelines, 2015. Collection method: clinical testing. Allele origin: germline.

All of Us Research Program, National Institutes of Health
Classification: Uncertain significance for Long QT syndrome. Last evaluated: 2024-01-11. Review status: criteria provided, single submitter. Criteria: ACMG Guidelines, 2015. Collection method: clinical testing. Allele origin: germline. Inheritance: Autosomal dominant inheritance. Observed: 3 variant alleles, 3 heterozygotes.
Comment: This missense variant replaces serine with threonine at codon 463 of the KCNQ1 protein. Computational prediction tools and conservation analyses suggest that this variant may not impact protein structure and function. Splice site prediction tools suggest that this variant may not impact RNA splicing. To our knowledge, functional studies have not been performed for this variant. This variant has not been reported in individuals affected with cardiovascular disorders in the literature. This variant has been identified in 12/280132 chromosomes in the general population by the Genome Aggregation Database (gnomAD). The available evidence is insufficient to determine the role of this variant in disease conclusively. Therefore, this variant is classified as a Variant of Uncertain Significance.

This study involves interpretation of variants in research participants for the purpose of population health screening. Participant phenotype was not available at the time of variant classification. Additional details can be found in publication PMID: 35346344, PMCID: PMC8962531

Women's Health and Genetics/Laboratory Corporation of America, LabCorp
Classification: Uncertain significance. Last evaluated: 2023-07-31. Review status: criteria provided, single submitter. Criteria: LabCorp Variant Classification Summary - May 2015. Collection method: clinical testing. Allele origin: germline.
Comment: Variant summary: KCNQ1 c.1388G>C (p.Ser463Thr) results in a conservative amino acid change in the encoded protein sequence. Four of five in-silico tools predict a benign effect of the variant on protein function. The variant allele was found at a frequency of 3.6e-05 in 248780 control chromosomes. The available data on variant occurrences in the general population are insufficient to allow any conclusion about variant significance. c.1388G>C has been reported in the literature in individuals affected with clinical features of KCNQ1-related conditions, however these reports do not provide unequivocal conclusions about association of the variant with arrhythmia (e.g., Huang_2015, Proost_2017, Rajab_2015). To our knowledge, no experimental evidence demonstrating an impact on protein function has been reported. The following publications have been ascertained in the context of this evaluation (PMID: 25639344, 28341588, 26594346). Three submitters have cited clinical-significance assessments for this variant to ClinVar after 2014; two submitters classified the variant as a variant of uncertain significance, while one classified it as likely benign. Based on the evidence outlined above, the variant was classified as uncertain significance.

Ambry Genetics
Classification: Likely benign for Cardiovascular phenotype. Last evaluated: 2019-06-13. Review status: criteria provided, single submitter. Criteria: Ambry Variant Classification Scheme 2023. Collection method: clinical testing. Allele origin: germline.

Literature cited by the submitters: PubMed 25639344 (cited by Labcorp Genetics (formerly Invitae), Labcorp and Women's Health and Genetics/Laboratory Corporation of America, LabCorp); PubMed 28341588 (cited by Women's Health and Genetics/Laboratory Corporation of America, LabCorp and Ambry Genetics); PubMed 26594346 (cited by Women's Health and Genetics/Laboratory Corporation of America, LabCorp).